The following is an entry in ClinVar:

ClinVar aggregate classification (germline): Uncertain significance. Review status: criteria provided, multiple submitters, no conflicts (2 of 4 stars). 3 submissions from 3 submitters: Uncertain significance (3). Last evaluated 2026-06-01.

Conditions:
Generalized epilepsy with febrile seizures plus, type 7 (GEFSP7). Also called: GEFS+, TYPE 7. Identifiers: Orphanet 36387, MedGen C2751778, MONDO:0013470, OMIM 613863.
Neuropathy, hereditary sensory and autonomic, type 2A (HSAN2A). Also called: HSAN IIA; MORVAN DISEASE; NEUROPATHY, CONGENITAL SENSORY; NEUROPATHY, HEREDITARY SENSORY RADICULAR, AUTOSOMAL RECESSIVE; NEUROPATHY, HEREDITARY SENSORY, TYPE IIA; NEUROPATHY, PROGRESSIVE SENSORY, OF CHILDREN. Identifiers: Orphanet 970, MedGen C2752089, MONDO:0024309, OMIM 201300.
Inborn genetic diseases. Identifiers: MedGen C0950123, MeSH D030342.

Allele frequency attached by ClinVar (database versions not stated): TOPMed below 0.00001.

Submissions (3):

CeGaT Center for Human Genetics Tuebingen
Classification: Uncertain significance. Last evaluated: 2026-06-01. Review status: criteria provided, single submitter. Criteria: CeGaT Center For Human Genetics Tuebingen Variant Classification Criteria Version 2. Collection method: clinical testing. Allele origin: germline. Affected: yes. Observed: 1 variant allele.
Comment: SCN9A: PM2

Labcorp Genetics (formerly Invitae), Labcorp
Classification: Uncertain significance for Neuropathy, hereditary sensory and autonomic, type 2A; Generalized epilepsy with febrile seizures plus, type 7. Last evaluated: 2022-09-27. Review status: criteria provided, single submitter. Criteria: Invitae Variant Classification Sherloc (09022015). Collection method: clinical testing. Allele origin: germline.
Comment: In summary, the available evidence is currently insufficient to determine the role of this variant in disease. Therefore, it has been classified as a Variant of Uncertain Significance. Advanced modeling of protein sequence and biophysical properties (such as structural, functional, and spatial information, amino acid conservation, physicochemical variation, residue mobility, and thermodynamic stability) performed at Invitae indicates that this missense variant is not expected to disrupt SCN9A protein function. ClinVar contains an entry for this variant (Variation ID: 657151). This variant has not been reported in the literature in individuals affected with SCN9A-related conditions. This variant is present in population databases (rs775461240, gnomAD 0.006%). This sequence change replaces valine, which is neutral and non-polar, with isoleucine, which is neutral and non-polar, at codon 195 of the SCN9A protein (p.Val195Ile).

Ambry Genetics
Classification: Uncertain significance for Inborn genetic diseases. Last evaluated: 2021-03-23. Review status: criteria provided, single submitter. Criteria: Ambry Variant Classification Scheme 2023. Collection method: clinical testing. Allele origin: germline.
Comment: The p.V195I variant (also known as c.583G>A), located in coding exon 4 of the SCN9A gene, results from a G to A substitution at nucleotide position 583. The valine at codon 195 is replaced by isoleucine, an amino acid with highly similar properties. This amino acid position is highly conserved in available vertebrate species. In addition, the in silico prediction for this alteration is inconclusive. Since supporting evidence is limited at this time, the clinical significance of this alteration remains unclear.

NM_001365536.1(SCN9A):c.583G>A (p.Val195Ile)

Gene: SCN9A (sodium voltage-gated channel alpha subunit 9; minus strand). Cytogenetic location: 2q24.3.
Variant type: single nucleotide variant.
Coding change: c.583G>A on transcript NM_001365536.1 (MANE Select); coding-DNA position 583, G replaced by A.
Protein change: p.Val195Ile; replaces valine 195 with isoleucine.
Molecular consequence: missense variant.
Genome position (GRCh38, 1-based): chr2:166,305,805, C>T on the plus strand (G>A on the coding strand, the complement: SCN9A is on the minus strand). VCF-style: chr2-166305805-C-T. GRCh37 (hg19) VCF-style: chr2-167162315-C-T.
Other names: c.583G>A, p.Val195Ile (NM_002977.4); short protein forms V195I.
Identifiers: ClinVar variation 657151 (VCV000657151.12), dbSNP rs775461240, ClinGen allele CA1944758.